The following is an entry in ClinVar:

ClinVar aggregate classification (germline): Uncertain significance (1 of 4 stars; one submission).

Allele frequency attached by ClinVar (database versions not stated): gnomAD exomes 0.00001; ExAC 0.00007; gnomAD 0.00008; TOPMed 0.00012; ESP Exome Variant Server 0.00015.
gnomAD v4.1: 33 of 1,561,230 alleles (0.0021%); highest among the groups gnomAD compares: Admixed American, 0.02%; no homozygotes.

Submission:

Labcorp Genetics (formerly Invitae), Labcorp
Classification: Uncertain significance. Last evaluated: 2025-03-24. Review status: criteria provided, single submitter. Criteria: Invitae Variant Classification Sherloc (09022015). Collection method: clinical testing. Allele origin: germline.
Comment: This sequence change falls in intron 9 of the CEP89 gene. It does not directly change the encoded amino acid sequence of the CEP89 protein. It affects a nucleotide within the consensus splice site. This variant is present in population databases (rs375310554, gnomAD 0.02%). This variant has not been reported in the literature in individuals affected with CEP89-related conditions. ClinVar contains an entry for this variant (Variation ID: 2074376). Variants that disrupt the consensus splice site are a relatively common cause of aberrant splicing (PMID: 17576681, 9536098). Algorithms developed to predict the effect of sequence changes on RNA splicing suggest that this variant is not likely to affect RNA splicing. In summary, the available evidence is currently insufficient to determine the role of this variant in disease. Therefore, it has been classified as a Variant of Uncertain Significance.

Literature cited by the submitters: PubMed 17576681; PubMed 9536098.

NM_032816.5(CEP89):c.1029+6G>A

Gene: CEP89 (centrosomal protein 89; minus strand). Cytogenetic location: 19q13.11.
Variant type: single nucleotide variant.
Coding change: c.1029+6G>A on transcript NM_032816.5 (MANE Select); 6 bases into the intron after coding-DNA position 1029, G replaced by A.
Molecular consequence: intron variant.
Genome position (GRCh38, 1-based): chr19:32,931,423, C>T on the plus strand (G>A on the coding strand, the complement: CEP89 is on the minus strand). VCF-style: chr19-32931423-C-T. GRCh37 (hg19) VCF-style: chr19-33422329-C-T.
Identifiers: ClinVar variation 2074376 (VCV002074376.4), dbSNP rs375310554, ClinGen allele CA9359455.